The following is an entry in ClinVar:

NM_152281.3(GORAB):c.916C>T (p.Arg306Cys)

Gene: GORAB (golgin, RAB6 interacting; plus strand). Cytogenetic location: 1q24.2.
Variant type: single nucleotide variant.
Coding change: c.916C>T on transcript NM_152281.3 (MANE Select); coding-DNA position 916, C replaced by T.
Protein change: p.Arg306Cys; replaces arginine 306 with cysteine.
Molecular consequence: missense variant. On other transcripts: non-coding transcript variant (1).
Genome position (GRCh38, 1-based): chr1:170,552,268, C>T. VCF-style: chr1-170552268-C-T. GRCh37 (hg19) VCF-style: chr1-170521409-C-T.
Other names: c.451C>T, p.Arg151Cys (NM_001320252.2); short protein forms R151C, R306C.
Identifiers: ClinVar variation 1394686 (VCV001394686.5), dbSNP rs757240482, ClinGen allele CA1239270.

ClinVar aggregate classification (germline): Uncertain significance. Review status: criteria provided, multiple submitters, no conflicts (2 of 4 stars). 2 submissions from 2 submitters: Uncertain significance (2). Last evaluated 2026-06-01.

Allele frequency attached by ClinVar (database versions not stated): ExAC 0.00013; gnomAD exomes 0.00014.
gnomAD v4.1: 216 of 1,614,062 alleles (0.013%); highest among the groups gnomAD compares: Admixed American, 0.033%; no homozygotes.

Submissions (2):

CeGaT Center for Human Genetics Tuebingen
Classification: Uncertain significance. Last evaluated: 2026-06-01. Review status: criteria provided, single submitter. Criteria: CeGaT Center For Human Genetics Tuebingen Variant Classification Criteria Version 2. Collection method: clinical testing. Allele origin: germline. Affected: yes. Observed: 1 variant allele.
Comment: GORAB: PM2, BP4

Labcorp Genetics (formerly Invitae), Labcorp
Classification: Uncertain significance. Last evaluated: 2022-09-01. Review status: criteria provided, single submitter. Criteria: Invitae Variant Classification Sherloc (09022015). Collection method: clinical testing. Allele origin: germline.
Comment: This sequence change replaces arginine, which is basic and polar, with cysteine, which is neutral and slightly polar, at codon 331 of the GORAB protein (p.Arg331Cys). This variant is present in population databases (rs757240482, gnomAD 0.05%). This variant has not been reported in the literature in individuals affected with GORAB-related conditions. ClinVar contains an entry for this variant (Variation ID: 1394686). Algorithms developed to predict the effect of missense changes on protein structure and function (SIFT, PolyPhen-2, Align-GVGD) all suggest that this variant is likely to be tolerated. In summary, the available evidence is currently insufficient to determine the role of this variant in disease. Therefore, it has been classified as a Variant of Uncertain Significance.